The following is an entry in ClinVar:

NM_003482.4(KMT2D):c.11583ACA[1] (p.Gln3863del)

Gene: KMT2D (lysine methyltransferase 2D; minus strand). Cytogenetic location: 12q13.12.
Variant type: Microsatellite.
Coding change: c.11583ACA[1] on transcript NM_003482.4 (MANE Select); one copy of the 3-base unit ACA starting at c.11583; the reference has two copies in a row; one copy, 3 bases deleted; also written c.11586_11588del.
Protein change: p.Gln3863del; deletes glutamine 3863.
Genome position (GRCh38, 1-based): chr12:49,033,117-49,033,119, TGT deleted on the plus strand (ACA on the coding strand, the reverse complement: KMT2D is on the minus strand); deleting any 3 consecutive bases within chr12:49,033,117-49,033,124 gives the same sequence; the position shown is the placement nearest the transcript's 3' end. VCF-style (leftmost placement, unchanged base first): chr12-49033116-CTGT-C. GRCh37 (hg19) VCF-style: chr12-49426899-CTGT-C.
Other names: c.11586_11588del (NM_003482.4); short protein forms Q3863del.
Identifiers: ClinVar variation 3574700 (VCV003574700.3).

ClinVar aggregate classification (germline): Uncertain significance. Review status: criteria provided, multiple submitters, no conflicts (2 of 4 stars). 2 submissions from 2 submitters: Uncertain significance (2). Last evaluated 2025-11-06.

Conditions:
Choanal atresia-athelia-hypothyroidism-delayed puberty-short stature syndrome (BCAHH). Also called: BRANCHIAL ARCH ABNORMALITIES, CHOANAL ATRESIA, ATHELIA, HEARING LOSS, AND HYPOTHYROIDISM SYNDROME. Identifiers: Orphanet 589856, MedGen C5680310, MONDO:0035651, OMIM 620186.
Kabuki syndrome 1 (KABUK1). Also called: KMT2D-Related Kabuki Syndrome. Identifiers: Orphanet 2322, MedGen CN030661, MONDO:0007843, OMIM 147920.
Kabuki syndrome. Also called: NIIKAWA-KUROKI SYNDROME; Kabuki make-up syndrome. Identifiers: Orphanet 2322, MedGen C0796004, MONDO:0016512.

Submissions (2):

Labcorp Genetics (formerly Invitae), Labcorp
Classification: Uncertain significance for Kabuki syndrome. Last evaluated: 2025-11-06. Review status: criteria provided, single submitter. Criteria: Invitae Variant Classification Sherloc (09022015). Collection method: clinical testing. Allele origin: germline.
Comment: This variant, c.11586_11588del, results in the deletion of 1 amino acid(s) of the KMT2D protein (p.Gln3863del), but otherwise preserves the integrity of the reading frame. This variant is present in population databases (no rsID available, gnomAD 0.002%). This variant has not been reported in the literature in individuals affected with KMT2D-related conditions. Experimental studies and prediction algorithms are not available or were not evaluated, and the functional significance of this variant is currently unknown. In summary, the available evidence is currently insufficient to determine the role of this variant in disease. Therefore, it has been classified as a Variant of Uncertain Significance.

Fulgent Genetics
Classification: Uncertain significance for Kabuki syndrome 1; Choanal atresia-athelia-hypothyroidism-delayed puberty-short stature syndrome. Last evaluated: 2024-05-04. Review status: criteria provided, single submitter. Criteria: ACMG Guidelines, 2015. Collection method: clinical testing. Allele origin: germline.